The following is an entry in ClinVar:

NM_177438.3(DICER1):c.4407T>C (p.Leu1469=)

Gene: DICER1 (dicer 1, ribonuclease III; minus strand). Cytogenetic location: 14q32.13.
Variant type: single nucleotide variant.
Coding change: c.4407T>C on transcript NM_177438.3 (MANE Select); coding-DNA position 4407, T replaced by C.
Protein change: p.Leu1469=; no amino-acid change (leucine 1469 retained).
Molecular consequence: synonymous variant.
Genome position (GRCh38, 1-based): chr14:95,096,513, A>G on the plus strand (T>C on the coding strand, the complement: DICER1 is on the minus strand). VCF-style: chr14-95096513-A-G. GRCh37 (hg19) VCF-style: chr14-95562850-A-G.
Other names: c.4407T>C, p.Leu1469= (NM_001195573.1, NM_001271282.3, NM_001291628.2 and 1 more transcripts).
Identifiers: ClinVar variation 261924 (VCV000261924.20), dbSNP rs540502223, ClinGen allele CA7330852.
Genomic context (GRCh38, chr14:95,096,513, plus strand): 5'-TAAGGAGGATTTTTTGGGCATTTTCCATTCATATGCAGAATCAGTGGTTGAAAAAGGAGA[A>G]AGAGAGATTTTCTTTACAAAAGCTCCTGACCCCATTAACATATTATCTATAAATCTGATA-3'
Protein context (NP_803187.1, residues 1459-1479): GSGAFVKKIS[Leu1469=]SPFSTTDSAY

ClinVar aggregate classification (germline): Benign/Likely benign. Review status: criteria provided, multiple submitters, no conflicts (2 of 4 stars). 6 submissions from 6 submitters: Benign (5); Likely benign (1). Last evaluated 2026-04-20.

Conditions:
DICER1-related tumor predisposition. Also called: DICER1-related pleuropulmonary blastoma cancer predisposition syndrome; DICER1 syndrome. Identifiers: Orphanet 284343, MedGen C3839822, MONDO:0100216.
Hereditary cancer-predisposing syndrome. Also called: Hereditary neoplastic syndrome; Neoplastic Syndromes, Hereditary; Hereditary Cancer Syndrome; Tumor predisposition. Identifiers: Orphanet 140162, MedGen C0027672, MeSH D009386, MONDO:0015356.
Pleuropulmonary blastoma (PPB). Identifiers: Orphanet 64742, MedGen C1266144, MONDO:0011014, OMIM 601200, HP:0100528.

Allele frequency attached by ClinVar (database versions not stated): gnomAD 0.00002 and 0.00022; gnomAD exomes 0.00055 and 0.00023; ExAC 0.00067; 1000 Genomes Project 0.00220; TOPMed 0.00002; 1000 Genomes Project 30x 0.00265.
gnomAD v4.1: 379 of 1,614,130 alleles (0.023%); highest among the groups gnomAD compares: South Asian, 0.38%; 8 homozygotes.

Submissions (6):

Myriad Genetics, Inc.
Classification: Benign for DICER1-related tumor predisposition. Last evaluated: 2026-04-20. Review status: criteria provided, single submitter. Criteria: Myriad Autosomal Dominant, Autosomal Recessive and X-Linked Classification Criteria (2023). Collection method: clinical testing. Allele origin: unknown.
Comment: This variant is considered benign. This variant is a silent/synonymous amino acid change and it is not expected to impact splicing.

Labcorp Genetics (formerly Invitae), Labcorp
Classification: Benign for DICER1-related tumor predisposition. Last evaluated: 2026-01-31. Review status: criteria provided, single submitter. Criteria: Invitae Variant Classification Sherloc (09022015). Collection method: clinical testing. Allele origin: germline.

KCCC/NGS Laboratory, Kuwait Cancer Control Center
Classification: Benign for Pleuropulmonary blastoma. Last evaluated: 2023-07-07. Review status: criteria provided, single submitter. Criteria: ACMG Guidelines, 2015. Collection method: clinical testing. Allele origin: germline. Affected: yes.

Sema4
Classification: Benign for Hereditary cancer-predisposing syndrome. Last evaluated: 2021-09-16. Review status: criteria provided, single submitter. Criteria: Sema4 Curation Guidelines. Collection method: curation. Allele origin: germline.

Ambry Genetics
Classification: Likely benign for Hereditary cancer-predisposing syndrome. Last evaluated: 2017-06-01. Review status: criteria provided, single submitter. Criteria: Ambry Variant Classification Scheme 2023. Collection method: clinical testing. Allele origin: germline.

PreventionGenetics, part of Exact Sciences
Classification: Benign. Last evaluated: 2016-04-11. Review status: criteria provided, single submitter. Criteria: ACMG Guidelines, 2015. Collection method: clinical testing. Allele origin: germline.